The following is an entry in ClinVar:

ClinVar aggregate classification (germline): Pathogenic (1 of 4 stars; one submission).

gnomAD v4.1: 1 of 1,613,960 alleles (0.000062%); no homozygotes.

Submission:

Labcorp Genetics (formerly Invitae), Labcorp
Classification: Pathogenic. Last evaluated: 2025-09-01. Review status: criteria provided, single submitter. Criteria: Invitae Variant Classification Sherloc (09022015). Collection method: clinical testing. Allele origin: germline.
Comment: This sequence change creates a premature translational stop signal (p.Lys74*) in the DEF6 gene. It is expected to result in an absent or disrupted protein product. Loss-of-function variants in DEF6 are known to be pathogenic (PMID: 16470246, 32562707). This variant is present in population databases (rs746087773, gnomAD no frequency). This variant has not been reported in the literature in individuals affected with DEF6-related conditions. For these reasons, this variant has been classified as Pathogenic.

Literature cited by the submitters: PubMed 16470246; PubMed 32562707.

NM_022047.4(DEF6):c.220A>T (p.Lys74Ter)

Gene: DEF6 (DEF6 guanine nucleotide exchange factor; plus strand). Cytogenetic location: 6p21.31.
Variant type: single nucleotide variant.
Coding change: c.220A>T on transcript NM_022047.4 (MANE Select); coding-DNA position 220, A replaced by T.
Protein change: p.Lys74Ter; replaces lysine 74 with a stop codon.
Molecular consequence: nonsense.
Genome position (GRCh38, 1-based): chr6:35,309,793, A>T. VCF-style: chr6-35309793-A-T. GRCh37 (hg19) VCF-style: chr6-35277570-A-T.
Other names: short protein forms K74*.
Identifiers: ClinVar variation 4726478 (VCV004726478.1).